The following is an entry in ClinVar:

NM_005188.4(CBL):c.1606C>T (p.Pro536Ser)

Gene: CBL (Cbl proto-oncogene; plus strand). Cytogenetic location: 11q23.3.
Variant type: single nucleotide variant.
Coding change: c.1606C>T on transcript NM_005188.4 (MANE Select); coding-DNA position 1606, C replaced by T.
Protein change: p.Pro536Ser; replaces proline 536 with serine.
Molecular consequence: missense variant.
Genome position (GRCh38, 1-based): chr11:119,285,231, C>T. VCF-style: chr11-119285231-C-T. GRCh37 (hg19) VCF-style: chr11-119155941-C-T.
Other names: short protein forms P536S.
Identifiers: ClinVar variation 2571841 (VCV002571841.1), dbSNP rs144130138, ClinGen allele CA6318572.

ClinVar aggregate classification (germline): Uncertain significance (1 of 4 stars; one submission).

Allele frequency attached by ClinVar (database versions not stated): gnomAD exomes below 0.00001; ExAC 0.00001; gnomAD 0.00001; 1000 Genomes Project 30x 0.00016; 1000 Genomes Project 0.00020.
gnomAD v4.1: 2 of 1,614,122 alleles (0.00012%); highest among the groups gnomAD compares: Non-Finnish European, 0.00017%; no homozygotes.

Submission:

GeneDx
Classification: Uncertain significance. Last evaluated: 2023-01-04. Review status: criteria provided, single submitter. Criteria: GeneDx Variant Classification Process June 2021. Collection method: clinical testing. Allele origin: germline. Affected: yes.
Comment: In silico analysis supports that this missense variant has a deleterious effect on protein structure/function; Has not been previously published as pathogenic or benign to our knowledge; This variant is associated with the following publications: (PMID: 20619386)